The following is an entry in ClinVar:

NM_025137.4(SPG11):c.2170A>G (p.Ile724Val)

Gene: SPG11 (SPG11 vesicle trafficking associated, spatacsin; minus strand). Cytogenetic location: 15q21.1.
Variant type: single nucleotide variant.
Coding change: c.2170A>G on transcript NM_025137.4 (MANE Select); coding-DNA position 2170, A replaced by G.
Protein change: p.Ile724Val; replaces isoleucine 724 with valine.
Molecular consequence: missense variant.
Genome position (GRCh38, 1-based): chr15:44,626,405, T>C on the plus strand (A>G on the coding strand, the complement: SPG11 is on the minus strand). VCF-style: chr15-44626405-T-C. GRCh37 (hg19) VCF-style: chr15-44918603-T-C.
Other names: c.2170A>G, p.Ile724Val (NM_001160227.2, NM_001411132.1); short protein forms I724V.
Identifiers: ClinVar variation 3622024 (VCV003622024.2).

ClinVar aggregate classification (germline): Uncertain significance (1 of 4 stars; one submission).

Conditions:
Hereditary spastic paraplegia 11. Also called: Nakamura Osame syndrome; Autosomal recessive hereditary spastic paraplegia, mental impairment, and thin corpus callosum; Spastic paraplegia, mental retardation and thin corpus callosum; SPASTIC PARAPLEGIA, AUTOSOMAL RECESSIVE, COMPLICATED, WITH THIN CORPUS CALLOSUM; SPASTIC PARAPLEGIA, AUTOSOMAL RECESSIVE, WITH MENTAL IMPAIRMENT AND THIN CORPUS CALLOSUM; Spastic Paraplegia 11. Identifiers: Orphanet 2822, MedGen C1858479, MONDO:0011445, OMIM 604360.

gnomAD v4.1: 5 of 1,613,918 alleles (0.00031%); highest among the groups gnomAD compares: Non-Finnish European, 0.00042%; no homozygotes.

Submission:

Labcorp Genetics (formerly Invitae), Labcorp
Classification: Uncertain significance for Hereditary spastic paraplegia 11. Last evaluated: 2025-01-29. Review status: criteria provided, single submitter. Criteria: Invitae Variant Classification Sherloc (09022015). Collection method: clinical testing. Allele origin: germline.
Comment: This sequence change replaces isoleucine, which is neutral and non-polar, with valine, which is neutral and non-polar, at codon 724 of the SPG11 protein (p.Ile724Val). This variant is not present in population databases (gnomAD no frequency). This variant has not been reported in the literature in individuals affected with SPG11-related conditions. Invitae Evidence Modeling of protein sequence and biophysical properties (such as structural, functional, and spatial information, amino acid conservation, physicochemical variation, residue mobility, and thermodynamic stability) indicates that this missense variant is not expected to disrupt SPG11 protein function with a negative predictive value of 80%. In summary, the available evidence is currently insufficient to determine the role of this variant in disease. Therefore, it has been classified as a Variant of Uncertain Significance.